The following is an entry in ClinVar:

NM_000082.4(ERCC8):c.464del (p.Lys155fs)

Gene: ERCC8 (ERCC excision repair 8, CSA ubiquitin ligase complex subunit; minus strand). Cytogenetic location: 5q12.1.
Variant type: Deletion.
Coding change: c.464del on transcript NM_000082.4 (MANE Select); coding-DNA position 464, one base deleted (A; older notation c.464delA).
Protein change: p.Lys155fs; shifts the reading frame from lysine 155.
Molecular consequence: frameshift variant. On other transcripts: intron variant (1).
Genome position (GRCh38, 1-based): chr5:60,904,809, T deleted on the plus strand (A on the coding strand, the reverse complement: ERCC8 is on the minus strand); the first of 2 consecutive T bases (chr5:60,904,809-60,904,810); deleting either gives the same sequence. VCF-style (leftmost placement, unchanged base first): chr5-60904808-CT-C. GRCh37 (hg19) VCF-style: chr5-60200635-CT-C.
Other names: c.290del, p.Lys97fs (NM_001007233.3); c.464del, p.Lys155fs (NM_001007234.3); c.23-1093del (NM_001290285.2); short protein forms K97fs, K155fs.
Identifiers: ClinVar variation 3717885 (VCV003717885.2).

ClinVar aggregate classification (germline): Pathogenic (1 of 4 stars; one submission).

Submission:

Labcorp Genetics (formerly Invitae), Labcorp
Classification: Pathogenic. Last evaluated: 2024-12-03. Review status: criteria provided, single submitter. Criteria: Invitae Variant Classification Sherloc (09022015). Collection method: clinical testing. Allele origin: germline.
Comment: This sequence change creates a premature translational stop signal (p.Lys155Serfs*5) in the ERCC8 gene. It is expected to result in an absent or disrupted protein product. Loss-of-function variants in ERCC8 are known to be pathogenic (PMID: 29572252). This variant is not present in population databases (gnomAD no frequency). This variant has not been reported in the literature in individuals affected with ERCC8-related conditions. Algorithms developed to predict the effect of sequence changes on RNA splicing suggest that this variant may disrupt the consensus splice site. For these reasons, this variant has been classified as Pathogenic.

Literature cited by the submitters: PubMed 29572252.